The following is an entry in ClinVar:

NM_001031710.3(KLHL7):c.665G>A (p.Arg222His)

Gene: KLHL7 (kelch like family member 7; plus strand). Cytogenetic location: 7p15.3.
Variant type: single nucleotide variant.
Coding change: c.665G>A on transcript NM_001031710.3 (MANE Select); coding-DNA position 665, G replaced by A.
Protein change: p.Arg222His; replaces arginine 222 with histidine.
Molecular consequence: missense variant. On other transcripts: non-coding transcript variant (1).
Genome position (GRCh38, 1-based): chr7:23,143,897, G>A. VCF-style: chr7-23143897-G-A. GRCh37 (hg19) VCF-style: chr7-23183516-G-A.
Other names: c.521G>A, p.Arg174His (NM_018846.5); short protein forms R174H, R222H.
Identifiers: ClinVar variation 1402920 (VCV001402920.12), dbSNP rs758529201, ClinGen allele CA4186471.

ClinVar aggregate classification (germline): Uncertain significance. Review status: criteria provided, multiple submitters, no conflicts (2 of 4 stars). 5 submissions from 5 submitters: Uncertain significance (5). Last evaluated 2025-05-23.

Conditions:
KLHL7-related disorder. Also called: KLHL7-related disorders; KLHL7-related condition.
Inborn genetic diseases. Identifiers: MedGen C0950123, MeSH D030342.

Allele frequency attached by ClinVar (database versions not stated): gnomAD exomes 0.00001 and 0.00003; ExAC 0.00002; TOPMed 0.00002; gnomAD 0.00003.
gnomAD v4.1: 44 of 1,613,910 alleles (0.0027%); highest among the groups gnomAD compares: African/African-American, 0.0067%; no homozygotes.

Submissions (5):

Labcorp Genetics (formerly Invitae), Labcorp
Classification: Uncertain significance. Last evaluated: 2025-05-23. Review status: criteria provided, single submitter. Criteria: Invitae Variant Classification Sherloc (09022015). Collection method: clinical testing. Allele origin: germline.
Comment: This sequence change replaces arginine, which is basic and polar, with histidine, which is basic and polar, at codon 222 of the KLHL7 protein (p.Arg222His). The frequency data for this variant in the population databases is considered unreliable, as metrics indicate poor data quality at this position in the gnomAD database. This variant has not been reported in the literature in individuals affected with KLHL7-related conditions. ClinVar contains an entry for this variant (Variation ID: 1402920). An algorithm developed to predict the effect of missense changes on protein structure and function (PolyPhen-2) suggests that this variant is likely to be disruptive. In summary, the available evidence is currently insufficient to determine the role of this variant in disease. Therefore, it has been classified as a Variant of Uncertain Significance.

PreventionGenetics, part of Exact Sciences
Classification: Uncertain significance for KLHL7-related condition. Last evaluated: 2024-12-10. Review status: criteria provided, single submitter. Criteria: ACMG Guidelines, 2015. Collection method: clinical testing. Allele origin: germline.
Comment: The KLHL7 c.665G>A variant is predicted to result in the amino acid substitution p.Arg222His. To our knowledge, this variant has not been reported in the literature. This variant is reported in 0.0080% of alleles in individuals of African descent in gnomAD. At this time, the clinical significance of this variant is uncertain due to the absence of conclusive functional and genetic evidence.

Blueprint Genetics
Classification: Uncertain significance. Last evaluated: 2024-04-19. Review status: criteria provided, single submitter. Criteria: ACMG Guidelines, 2015. Collection method: clinical testing. Allele origin: germline.

Ambry Genetics
Classification: Uncertain significance for Inborn genetic diseases. Last evaluated: 2022-10-12. Review status: criteria provided, single submitter. Criteria: Ambry Variant Classification Scheme 2023. Collection method: clinical testing. Allele origin: germline.

GeneDx
Classification: Uncertain significance. Last evaluated: 2022-03-04. Review status: criteria provided, single submitter. Criteria: GeneDx Variant Classification Process June 2021. Collection method: clinical testing. Allele origin: germline. Affected: yes.
Comment: In silico analysis supports that this missense variant has a deleterious effect on protein structure/function; Has not been previously published as pathogenic or benign to our knowledge